The following is an entry in ClinVar:

NM_000719.7(CACNA1C):c.5452T>A (p.Ser1818Thr)

Genes: CACNA1C (calcium voltage-gated channel subunit alpha1 C; plus strand), CACNA1C-AS1 (CACNA1C antisense RNA 1; minus strand). Cytogenetic location: 12p13.33.
Variant type: single nucleotide variant.
Coding change: c.5452T>A on transcript NM_000719.7 (MANE Select); coding-DNA position 5452, T replaced by A.
Protein change: p.Ser1818Thr; replaces serine 1818 with threonine.
Molecular consequence: missense variant.
Genome position (GRCh38, 1-based): chr12:2,682,557, T>A. VCF-style: chr12-2682557-T-A. GRCh37 (hg19) VCF-style: chr12-2791723-T-A.
Other names: c.5596T>A, p.Ser1866Thr (NM_001129827.2); c.5575T>A, p.Ser1859Thr (NM_001129829.2); c.5557T>A, p.Ser1853Thr (NM_001129830.3, NM_001167624.3); c.5536T>A, p.Ser1846Thr (NM_001129831.2); c.5512T>A, p.Ser1838Thr (NM_001129832.2); c.5509T>A, p.Ser1837Thr (NM_001129833.2, NM_001129834.2, NM_001129835.2); c.5503T>A, p.Ser1835Thr (NM_001129836.2); c.5476T>A, p.Ser1826Thr (NM_001129837.2, NM_001129838.2); and 6 more; short protein forms S1807T, S1815T, S1824T, S1853T, S1859T, S1837T, S1818T, S1835T.
Identifiers: ClinVar variation 3673627 (VCV003673627.2).

ClinVar aggregate classification (germline): Uncertain significance (1 of 4 stars; one submission).

Conditions:
Long QT syndrome (LQTS). Identifiers: MedGen C0023976, MeSH D008133, MONDO:0002442. Disease mechanism: loss of function. Inheritance: Various modes of inheritance.

gnomAD v4.1: 3 of 1,612,158 alleles (0.00019%); highest among the groups gnomAD compares: East Asian, 0.0045%; no homozygotes.

Submission:

Labcorp Genetics (formerly Invitae), Labcorp
Classification: Uncertain significance for Long QT syndrome. Last evaluated: 2024-07-03. Review status: criteria provided, single submitter. Criteria: Invitae Variant Classification Sherloc (09022015). Collection method: clinical testing. Allele origin: germline.
Comment: This sequence change replaces serine, which is neutral and polar, with threonine, which is neutral and polar, at codon 1818 of the CACNA1C protein (p.Ser1818Thr). This variant is present in population databases (no rsID available, gnomAD 0.006%). This variant has not been reported in the literature in individuals affected with CACNA1C-related conditions. Advanced modeling of protein sequence and biophysical properties (such as structural, functional, and spatial information, amino acid conservation, physicochemical variation, residue mobility, and thermodynamic stability) performed at Invitae indicates that this missense variant is not expected to disrupt CACNA1C protein function with a negative predictive value of 95%. In summary, the available evidence is currently insufficient to determine the role of this variant in disease. Therefore, it has been classified as a Variant of Uncertain Significance.